The following is an entry in ClinVar:

ClinVar aggregate classification (germline): Likely benign (1 of 4 stars; one submission).

gnomAD v4.1: 4 of 984,676 alleles (0.00041%); highest among the groups gnomAD compares: Admixed American, 0.0062%; no homozygotes.

Submission:

CeGaT Center for Human Genetics Tuebingen
Classification: Likely benign. Last evaluated: 2026-02-01. Review status: criteria provided, single submitter. Criteria: CeGaT Center For Human Genetics Tuebingen Variant Classification Criteria Version 2. Collection method: clinical testing. Allele origin: germline. Affected: yes. Observed: 1 variant allele.
Comment: CEP290: BP4, BP7

NM_025114.4(CEP290):c.1825-752T>C

Gene: CEP290 (centrosomal protein 290; minus strand). Cytogenetic location: 12q21.32.
Variant type: single nucleotide variant.
Coding change: c.1825-752T>C on transcript NM_025114.4 (MANE Select); 752 bases into the intron before coding-DNA position 1825, T replaced by C.
Molecular consequence: intron variant.
Genome position (GRCh38, 1-based): chr12:88,115,934, A>G on the plus strand (T>C on the coding strand, the complement: CEP290 is on the minus strand). VCF-style: chr12-88115934-A-G. GRCh37 (hg19) VCF-style: chr12-88509711-A-G.
Identifiers: ClinVar variation 4821999 (VCV004821999.4).